The following is an entry in ClinVar:

NM_020320.5(RARS2):c.1036-153T>A

Gene: RARS2 (arginyl-tRNA synthetase 2, mitochondrial; minus strand). Cytogenetic location: 6q15.
Variant type: single nucleotide variant.
Coding change: c.1036-153T>A on transcript NM_020320.5 (MANE Select); 153 bases into the intron before coding-DNA position 1036, T replaced by A.
Molecular consequence: intron variant.
Genome position (GRCh38, 1-based): chr6:87,520,409, A>T on the plus strand (T>A on the coding strand, the complement: RARS2 is on the minus strand). VCF-style: chr6-87520409-A-T. GRCh37 (hg19) VCF-style: chr6-88230127-A-T.
Other names: c.1036-153T>A (NM_001350505.2); c.511-153T>A (NM_001350509.2, NM_001318785.2, NM_001350506.2 and 4 more transcripts).
Identifiers: ClinVar variation 674469 (VCV000674469.1), dbSNP rs1108757, ClinGen allele CA142841519.
Genomic context (GRCh38, chr6:87,520,409, plus strand): 5'-CTGACAGACTAAAGTCGTCAATTGATATGTTTTAACTAAACACAAAGAGGATGCCACAAG[A>T]AGAGTGTCTAAGTGGACTGCTCTACAAGGGAGGGAAATAAGAGCCATACAACTCCACCGA-3'

ClinVar aggregate classification (germline): Likely benign (1 of 4 stars; one submission).

Allele frequency attached by ClinVar (database versions not stated): gnomAD 0.01774 and 0.01964; TOPMed 0.02813; 1000 Genomes Project 30x 0.04685; 1000 Genomes Project 0.04892.
gnomAD v4.1: 2,989 of 152,304 alleles (2%); highest among the groups gnomAD compares: East Asian, 15%; 173 homozygotes.

Submission:

GeneDx
Classification: Likely benign. Last evaluated: 2018-06-16. Review status: criteria provided, single submitter. Criteria: GeneDx Variant Classification (06012015). Collection method: clinical testing. Allele origin: germline. Affected: yes.
Comment: This variant is considered likely benign or benign based on one or more of the following criteria: it is a conservative change, it occurs at a poorly conserved position in the protein, it is predicted to be benign by multiple in silico algorithms, and/or has population frequency not consistent with disease.